The following is an entry in ClinVar:

NM_033641.4(COL4A6):c.4642G>A (p.Ala1548Thr)

Gene: COL4A6 (collagen type IV alpha 6 chain; minus strand). Cytogenetic location: Xq22.3.
Variant type: single nucleotide variant.
Coding change: c.4642G>A on transcript NM_033641.4 (MANE Select); coding-DNA position 4642, G replaced by A.
Protein change: p.Ala1548Thr; replaces alanine 1548 with threonine.
Molecular consequence: missense variant.
Genome position (GRCh38, 1-based): chrX:108,159,632, C>T on the plus strand (G>A on the coding strand, the complement: COL4A6 is on the minus strand). VCF-style: chrX-108159632-C-T. GRCh37 (hg19) VCF-style: chrX-107402862-C-T.
Other names: c.4645G>A (NM_001847.2); c.4693G>A, p.Ala1565Thr (NM_001287758.2); c.4570G>A, p.Ala1524Thr (NM_001287759.2); c.4471G>A, p.Ala1491Thr (NM_001287760.2); c.4645G>A, p.Ala1549Thr (NM_001847.4); short protein forms A1491T, A1524T, A1548T, A1549T, A1565T.
Identifiers: ClinVar variation 982952 (VCV000982952.12), dbSNP rs766360534, ClinGen allele CA10487139.

ClinVar aggregate classification (germline): Conflicting classifications of pathogenicity. Review status: criteria provided, conflicting classifications (1 of 4 stars). 4 submissions from 4 submitters: Uncertain significance (2); Likely benign (2). Last evaluated 2026-05-04.

Conditions:
Hearing loss, X-linked 6. Also called: Deafness, X-linked 6. Identifiers: Orphanet 90625, MedGen C3806737, MONDO:0010484, OMIM 300914.
COL4A6-related disorder. Also called: COL4A6-related condition.

Allele frequency attached by ClinVar (database versions not stated): TOPMed 0.00001; gnomAD 0.00002; gnomAD exomes 0.00008; ExAC 0.00013.
gnomAD v4.1: 57 of 1,210,471 alleles (0.0047%); highest among the groups gnomAD compares: Middle Eastern, 0.069%; no homozygotes.

Submissions (4):

PreventionGenetics, part of Exact Sciences
Classification: Uncertain significance for COL4A6-related condition. Last evaluated: 2026-05-04. Review status: criteria provided, single submitter. Criteria: ACMG Guidelines, 2015. Collection method: clinical testing. Allele origin: germline.
Comment: The COL4A6 c.4645G>A variant is predicted to result in the amino acid substitution p.Ala1549Thr. To our knowledge, this variant has not been reported in the literature. This variant is reported in 0.037% of alleles in individuals of South Asian descent in gnomAD. Although we suspect that this variant may be benign, at this time, the clinical significance of this variant is uncertain due to the absence of conclusive functional and genetic evidence.

Labcorp Genetics (formerly Invitae), Labcorp
Classification: Likely benign. Last evaluated: 2025-08-12. Review status: criteria provided, single submitter. Criteria: Invitae Variant Classification Sherloc (09022015). Collection method: clinical testing. Allele origin: germline.

Ambry Genetics
Classification: Uncertain significance. Last evaluated: 2024-09-24. Review status: criteria provided, single submitter. Criteria: Ambry Variant Classification Scheme 2023. Collection method: clinical testing. Allele origin: germline.

Institute of Human Genetics, University of Leipzig Medical Center
Classification: Likely benign for Hearing loss, X-linked 6. Last evaluated: 2019-01-01. Review status: criteria provided, single submitter. Criteria: ACMG Guidelines, 2015. Collection method: clinical testing. Allele origin: unknown. Affected: yes.